The following is an entry in ClinVar:

NM_000057.4(BLM):c.2536A>G (p.Lys846Glu)

Gene: BLM (BLM RecQ like helicase; plus strand). Cytogenetic location: 15q26.1.
Variant type: single nucleotide variant.
Coding change: c.2536A>G on transcript NM_000057.4 (MANE Select); coding-DNA position 2536, A replaced by G.
Protein change: p.Lys846Glu; replaces lysine 846 with glutamic acid.
Molecular consequence: missense variant.
Genome position (GRCh38, 1-based): chr15:90,769,567, A>G. VCF-style: chr15-90769567-A-G. GRCh37 (hg19) VCF-style: chr15-91312797-A-G.
Other names: c.2536A>G, p.Lys846Glu (NM_001287246.2, NM_001287247.2); c.1411A>G, p.Lys471Glu (NM_001287248.2); c.2536A>G (NM_000057.2); short protein forms K846E, K471E.
Identifiers: ClinVar variation 1422155 (VCV001422155.9), dbSNP rs2151166388, ClinGen allele CA393845524.

ClinVar aggregate classification (germline): Uncertain significance. Review status: criteria provided, multiple submitters, no conflicts (2 of 4 stars). 2 submissions from 2 submitters: Uncertain significance (2). Last evaluated 2025-05-10.

Conditions:
Hereditary cancer-predisposing syndrome. Also called: Neoplastic Syndromes, Hereditary; Hereditary Cancer Syndrome; Hereditary neoplastic syndrome; Tumor predisposition. Identifiers: Orphanet 140162, MedGen C0027672, MeSH D009386, MONDO:0015356.
Bloom syndrome (BLM). Also called: Bloom-Torre-Machacek syndrome. Identifiers: Orphanet 125, MedGen C0005859, MONDO:0008876, OMIM 210900.

Submissions (2):

Ambry Genetics
Classification: Uncertain significance for Hereditary cancer-predisposing syndrome. Last evaluated: 2025-05-10. Review status: criteria provided, single submitter. Criteria: Ambry Variant Classification Scheme 2023. Collection method: clinical testing. Allele origin: germline.
Comment: The p.K846E variant (also known as c.2536A>G), located in coding exon 11 of the BLM gene, results from an A to G substitution at nucleotide position 2536. The lysine at codon 846 is replaced by glutamic acid, an amino acid with similar properties. This amino acid position is conserved. In addition, this alteration is predicted to be tolerated by in silico analysis. Based on the available evidence, the clinical significance of this variant remains unclear.

Labcorp Genetics (formerly Invitae), Labcorp
Classification: Uncertain significance for Bloom syndrome. Last evaluated: 2025-03-19. Review status: criteria provided, single submitter. Criteria: Invitae Variant Classification Sherloc (09022015). Collection method: clinical testing. Allele origin: germline.
Comment: This sequence change replaces lysine, which is basic and polar, with glutamic acid, which is acidic and polar, at codon 846 of the BLM protein (p.Lys846Glu). This variant is not present in population databases (gnomAD no frequency). This variant has not been reported in the literature in individuals affected with BLM-related conditions. ClinVar contains an entry for this variant (Variation ID: 1422155). Invitae Evidence Modeling of protein sequence and biophysical properties (such as structural, functional, and spatial information, amino acid conservation, physicochemical variation, residue mobility, and thermodynamic stability) indicates that this missense variant is not expected to disrupt BLM protein function with a negative predictive value of 80%. In summary, the available evidence is currently insufficient to determine the role of this variant in disease. Therefore, it has been classified as a Variant of Uncertain Significance.